The following is an entry in ClinVar:

NM_003383.5(VLDLR):c.1162C>T (p.Leu388=)

Gene: VLDLR (very low density lipoprotein receptor; plus strand). Cytogenetic location: 9p24.2.
Variant type: single nucleotide variant.
Coding change: c.1162C>T on transcript NM_003383.5 (MANE Select); coding-DNA position 1162, C replaced by T.
Protein change: p.Leu388=; no amino-acid change (leucine 388 retained).
Molecular consequence: synonymous variant.
Genome position (GRCh38, 1-based): chr9:2,644,829, C>T. VCF-style: chr9-2644829-C-T. GRCh37 (hg19) VCF-style: chr9-2644829-C-T.
Other names: p.Leu388=; c.1162C>T, p.Leu388= (NM_001018056.3); c.1039C>T, p.Leu347= (NM_001322225.2, NM_001322226.2).
Identifiers: ClinVar variation 212552 (VCV000212552.16), dbSNP rs114172780, ClinGen allele CA206345.

ClinVar aggregate classification (germline): Benign/Likely benign. Review status: criteria provided, multiple submitters, no conflicts (2 of 4 stars). 4 submissions from 4 submitters: Benign (1); Likely benign (3). Last evaluated 2026-01-31.

Allele frequency attached by ClinVar (database versions not stated): 1000 Genomes Project 0.00120; TOPMed 0.00167; ExAC 0.00037; gnomAD 0.00135 and 0.00146; gnomAD exomes 0.00038; ESP Exome Variant Server 0.00100; 1000 Genomes Project 30x 0.00109.
gnomAD v4.1: 396 of 1,614,122 alleles (0.025%); highest among the groups gnomAD compares: African/African-American, 0.47%; 1 homozygote.

Submissions (4):

Labcorp Genetics (formerly Invitae), Labcorp
Classification: Benign. Last evaluated: 2026-01-31. Review status: criteria provided, single submitter. Criteria: Invitae Variant Classification Sherloc (09022015). Collection method: clinical testing. Allele origin: germline.

Mayo Clinic Laboratories, Mayo Clinic
Classification: Likely benign. Last evaluated: 2025-03-18. Review status: criteria provided, single submitter. Criteria: ACMG Guidelines, 2015. Collection method: clinical testing. Allele origin: germline. Observed: 2 variant alleles.
Comment: BS1, BP4, BP7

GeneDx
Classification: Likely benign. Last evaluated: 2020-07-20. Review status: criteria provided, single submitter. Criteria: GeneDx Variant Classification Process June 2021. Collection method: clinical testing. Allele origin: germline. Affected: yes.

Genetic Services Laboratory, University of Chicago
Classification: Likely benign. Last evaluated: 2017-06-05. Review status: criteria provided, single submitter. Criteria: ACMG Guidelines, 2015. Collection method: clinical testing. Allele origin: germline. Affected: no.